The following is an entry in ClinVar:

NM_177438.3(DICER1):c.2228C>A (p.Thr743Lys)

Gene: DICER1 (dicer 1, ribonuclease III; minus strand). Cytogenetic location: 14q32.13.
Variant type: single nucleotide variant.
Coding change: c.2228C>A on transcript NM_177438.3 (MANE Select); coding-DNA position 2228, C replaced by A.
Protein change: p.Thr743Lys; replaces threonine 743 with lysine.
Molecular consequence: missense variant.
Genome position (GRCh38, 1-based): chr14:95,111,345, G>T on the plus strand (C>A on the coding strand, the complement: DICER1 is on the minus strand). VCF-style: chr14-95111345-G-T. GRCh37 (hg19) VCF-style: chr14-95577682-G-T.
Other names: c.2228C>A, p.Thr743Lys (NM_001195573.1, NM_001271282.3, NM_001291628.2 and 1 more transcripts); short protein forms T743K.
Identifiers: ClinVar variation 1036406 (VCV001036406.10), dbSNP rs758932000, ClinGen allele CA390882539.
Genomic context (GRCh38, chr14:95,111,345, plus strand): 5'-TAGGTTTTTACTCTGTTCTAACCAATACTAACTGCTTTTGGGTAGCACTGCCTTCGTTTC[G>T]TGGAACCTGGTCTTCCTGGAACACTGGTCTCTTCTTCATCATGCAAATCAAGCTCCTCTT-3'
Protein context (NP_803187.1, residues 733-753): ETSVPGRPGS[Thr743Lys]KRRQCYPKAI

ClinVar aggregate classification (germline): Uncertain significance (1 of 4 stars; one submission).

Conditions:
DICER1-related tumor predisposition. Also called: DICER1 syndrome; DICER1-related pleuropulmonary blastoma cancer predisposition syndrome. Identifiers: Orphanet 284343, MedGen C3839822, MONDO:0100216.

Submission:

Labcorp Genetics (formerly Invitae), Labcorp
Classification: Uncertain significance for DICER1-related tumor predisposition. Last evaluated: 2020-02-24. Review status: criteria provided, single submitter. Criteria: Invitae Variant Classification Sherloc (09022015). Collection method: clinical testing. Allele origin: germline.
Comment: This sequence change replaces threonine with lysine at codon 743 of the DICER1 protein (p.Thr743Lys). The threonine residue is highly conserved and there is a moderate physicochemical difference between threonine and lysine. This variant is not present in population databases (ExAC no frequency). This variant has not been reported in the literature in individuals with DICER1-related conditions. Algorithms developed to predict the effect of missense changes on protein structure and function are either unavailable or do not agree on the potential impact of this missense change (SIFT: "Deleterious"; PolyPhen-2: "Probably Damaging"; Align-GVGD: "Class C15"). In summary, the available evidence is currently insufficient to determine the role of this variant in disease. Therefore, it has been classified as a Variant of Uncertain Significance.